The following is an entry in ClinVar:

ClinVar aggregate classification (germline): Likely benign. Review status: criteria provided, multiple submitters, no conflicts (2 of 4 stars). 3 submissions from 3 submitters: Likely benign (2). 1 of the submissions does not count toward it. Last evaluated 2026-02-02.

Conditions:
ABCC6-related disorder. Also called: ABCC6-related condition.

Allele frequency attached by ClinVar (database versions not stated): gnomAD 0.00012 and 0.00013; gnomAD exomes 0.00017 and 0.00091; TOPMed 0.00024; 1000 Genomes Project 0.00060; 1000 Genomes Project 30x 0.00062; ExAC 0.00085.
gnomAD v4.1: 260 of 1,614,056 alleles (0.016%); highest among the groups gnomAD compares: Admixed American, 0.43%; 3 homozygotes.

Submissions (3):

Labcorp Genetics (formerly Invitae), Labcorp
Classification: Likely benign. Last evaluated: 2026-02-02. Review status: criteria provided, single submitter. Criteria: Invitae Variant Classification Sherloc (09022015). Collection method: clinical testing. Allele origin: germline.

Blueprint Genetics
Classification: Likely benign. Last evaluated: 2024-09-20. Review status: criteria provided, single submitter. Criteria: ACMG Guidelines, 2015. Collection method: clinical testing. Allele origin: germline.

PreventionGenetics, part of Exact Sciences
Classification: Likely benign for ABCC6-related condition. Last evaluated: 2024-01-18. Review status: no assertion criteria provided. Collection method: clinical testing. Allele origin: germline. Not counted in ClinVar's aggregate classification.
Comment: This variant is classified as likely benign based on ACMG/AMP sequence variant interpretation guidelines (Richards et al. 2015 PMID: 25741868, with internal and published modifications).

NM_001171.6(ABCC6):c.1586G>A (p.Gly529Asp)

Gene: ABCC6 (ATP binding cassette subfamily C member 6; minus strand). Cytogenetic location: 16p13.11.
Variant type: single nucleotide variant.
Coding change: c.1586G>A on transcript NM_001171.6 (MANE Select); coding-DNA position 1586, G replaced by A.
Protein change: p.Gly529Asp; replaces glycine 529 with aspartic acid.
Molecular consequence: missense variant. On other transcripts: non-coding transcript variant (1).
Genome position (GRCh38, 1-based): chr16:16,190,213, C>T on the plus strand (G>A on the coding strand, the complement: ABCC6 is on the minus strand). VCF-style: chr16-16190213-C-T. GRCh37 (hg19) VCF-style: chr16-16284070-C-T.
Other names: c.1244G>A, p.Gly415Asp (NM_001351800.1); short protein forms G529D, G415D.
Identifiers: ClinVar variation 727891 (VCV000727891.13), dbSNP rs199643353, ClinGen allele CA7926261.